The following is an entry in ClinVar:

NM_004991.4(MECOM):c.3053A>G (p.Glu1018Gly)

Gene: MECOM (MDS1 and EVI1 complex locus; minus strand). Cytogenetic location: 3q26.2.
Variant type: single nucleotide variant.
Coding change: c.3053A>G on transcript NM_004991.4 (MANE Select); coding-DNA position 3053, A replaced by G.
Protein change: p.Glu1018Gly; replaces glutamic acid 1018 with glycine.
Molecular consequence: missense variant.
Genome position (GRCh38, 1-based): chr3:169,093,069, T>C on the plus strand (A>G on the coding strand, the complement: MECOM is on the minus strand). VCF-style: chr3-169093069-T-C. GRCh37 (hg19) VCF-style: chr3-168810857-T-C.
Other names: c.2684A>G, p.Glu895Gly (NM_001105077.4); c.2489A>G, p.Glu830Gly (NM_001105078.4, NM_001205194.2, NM_001366469.2 and 1 more transcripts); c.2465A>G, p.Glu822Gly (NM_001163999.2, NM_001366470.2); c.2462A>G, p.Glu821Gly (NM_001164000.2, NM_001366471.2, NM_001366472.2); c.3026A>G, p.Glu1009Gly (NM_001366466.2); c.2492A>G, p.Glu831Gly (NM_001366467.2, NM_001366468.2); c.2054A>G, p.Glu685Gly (NM_001366473.2); c.1490A>G, p.Glu497Gly (NM_001366474.2); short protein forms E821G, E831G, E1009G, E497G, E895G, E1018G, E685G, E822G.
Identifiers: ClinVar variation 3394340 (VCV003394340.3).

ClinVar aggregate classification (germline): Uncertain significance. Review status: criteria provided, multiple submitters, no conflicts (2 of 4 stars). 2 submissions from 2 submitters: Uncertain significance (2). Last evaluated 2025-10-10.

Conditions:
Inborn genetic diseases. Identifiers: MedGen C0950123, MeSH D030342.

Submissions (2):

Labcorp Genetics (formerly Invitae), Labcorp
Classification: Uncertain significance. Last evaluated: 2025-10-10. Review status: criteria provided, single submitter. Criteria: Invitae Variant Classification Sherloc (09022015). Collection method: clinical testing. Allele origin: germline.
Comment: This sequence change replaces glutamic acid, which is acidic and polar, with glycine, which is neutral and non-polar, at codon 830 of the MECOM protein (p.Glu830Gly). This variant is present in population databases (no rsID available, gnomAD 0.003%). This variant has not been reported in the literature in individuals affected with MECOM-related conditions. ClinVar contains an entry for this variant (Variation ID: 3394340). An algorithm developed to predict the effect of missense changes on protein structure and function (PolyPhen-2) suggests that this variant is likely to be tolerated. In summary, the available evidence is currently insufficient to determine the role of this variant in disease. Therefore, it has been classified as a Variant of Uncertain Significance.

Ambry Genetics
Classification: Uncertain significance for Inborn genetic diseases. Last evaluated: 2024-11-28. Review status: criteria provided, single submitter. Criteria: Ambry Variant Classification Scheme 2023. Collection method: clinical testing. Allele origin: germline.
Comment: The p.E1018G variant (also known as c.3053A>G), located in coding exon 14 of the MECOM gene, results from an A to G substitution at nucleotide position 3053. The glutamic acid at codon 1018 is replaced by glycine, an amino acid with similar properties. This amino acid position is conserved. In addition, this alteration is predicted to be tolerated by in silico analysis. Based on the available evidence, the clinical significance of this variant remains unclear.